The following is an entry in ClinVar:

ClinVar aggregate classification (germline): Uncertain significance (1 of 4 stars; one submission).

Conditions:
Congenital multicore myopathy with external ophthalmoplegia (CMYO1B). Also called: Congenital myopathy 1B, autosomal recessive; Minicore myopathy; Minicore myopathy with external ophthalmoplegia; MULTIMINICORE DISEASE WITH EXTERNAL OPHTHALMOPLEGIA; MULTICORE MYOPATHY. Identifiers: Orphanet 598, Orphanet 98905, MedGen C1850674, MONDO:0009712, OMIM 255320, HP:0003789.

Submission:

Neuberg Centre For Genomic Medicine, NCGM
Classification: Uncertain significance for Congenital multicore myopathy with external ophthalmoplegia. Review status: criteria provided, single submitter. Criteria: ACMG Guidelines, 2015. Collection method: clinical testing. Allele origin: germline. Inheritance: Autosomal recessive inheritance. Affected: yes.
Comment: The observed missense variant c.3149A>G(p.Tyr1050Cys) in RYR1 gene has not been reported previously as a pathogenic variant nor as a benign variant, to our knowledge. This variant is absent in gnomAD Exomes. This variant has not been reported to the ClinVar database. The amino acid Tyr at position 1050 is changed to a Cys changing protein sequence and it might alter its composition and physico-chemical properties. Multiple lines of computational evidence (Polyphen - Probably Damaging, SIFT - Damaging, and MutationTaster - Disease causing) predict a damaging effect on protein structure and function for this variant. The amino acid change p.Tyr1050Cys in RYR1 is predicted as conserved by GERP++ and PhyloP across 100 vertebrates. For these reasons, this variant has been classified as uncertain significance .

NM_000540.3(RYR1):c.3149A>G (p.Tyr1050Cys)

Gene: RYR1 (ryanodine receptor 1; plus strand). Cytogenetic location: 19q13.2.
Variant type: single nucleotide variant.
Coding change: c.3149A>G on transcript NM_000540.3 (MANE Select); coding-DNA position 3149, A replaced by G.
Protein change: p.Tyr1050Cys; replaces tyrosine 1050 with cysteine.
Molecular consequence: missense variant.
Genome position (GRCh38, 1-based): chr19:38,466,369, A>G. VCF-style: chr19-38466369-A-G. GRCh37 (hg19) VCF-style: chr19-38957009-A-G.
Other names: c.3149A>G, p.Tyr1050Cys (NM_001042723.2); short protein forms Y1050C.
Identifiers: ClinVar variation 3731508 (VCV003731508.1).